The following is an entry in ClinVar:

ClinVar aggregate classification (germline): Uncertain significance (1 of 4 stars; one submission).

Allele frequency attached by ClinVar (database versions not stated): gnomAD exomes below 0.00001; ExAC 0.00001; gnomAD 0.00001; ESP Exome Variant Server 0.00008.
gnomAD v4.1: 2 of 1,549,958 alleles (0.00013%); highest among the groups gnomAD compares: Non-Finnish European, 0.00017%; no homozygotes.

Submission:

Labcorp Genetics (formerly Invitae), Labcorp
Classification: Uncertain significance. Last evaluated: 2022-03-08. Review status: criteria provided, single submitter. Criteria: Invitae Variant Classification Sherloc (09022015). Collection method: clinical testing. Allele origin: germline.
Comment: In summary, the available evidence is currently insufficient to determine the role of this variant in disease. Therefore, it has been classified as a Variant of Uncertain Significance. Algorithms developed to predict the effect of sequence changes on RNA splicing suggest that this variant may disrupt the consensus splice site. Algorithms developed to predict the effect of missense changes on protein structure and function are either unavailable or do not agree on the potential impact of this missense change (SIFT: "Deleterious"; PolyPhen-2: "Possibly Damaging"; Align-GVGD: "Class C0"). This variant has not been reported in the literature in individuals affected with GUF1-related conditions. This variant is present in population databases (rs370328831, gnomAD 0.001%). This sequence change replaces isoleucine, which is neutral and non-polar, with arginine, which is basic and polar, at codon 196 of the GUF1 protein (p.Ile196Arg).

NM_021927.3(GUF1):c.587T>G (p.Ile196Arg)

Gene: GUF1 (GTP binding elongation factor GUF1; plus strand). Cytogenetic location: 4p12.
Variant type: single nucleotide variant.
Coding change: c.587T>G on transcript NM_021927.3 (MANE Select); coding-DNA position 587, T replaced by G.
Protein change: p.Ile196Arg; replaces isoleucine 196 with arginine.
Molecular consequence: missense variant. On other transcripts: 5 prime UTR variant (1), intron variant (1).
Genome position (GRCh38, 1-based): chr4:44,683,236, T>G. VCF-style: chr4-44683236-T-G. GRCh37 (hg19) VCF-style: chr4-44685253-T-G.
Other names: c.587T>G, p.Ile196Arg (NM_001345868.2); c.-386T>G (NM_001345869.2); c.-383-3T>G (NM_001345867.2); short protein forms I196R.
Identifiers: ClinVar variation 1482460 (VCV001482460.8), dbSNP rs370328831, ClinGen allele CA2905368.
Genomic context (GRCh38, chr4:44,683,236, plus strand): 5'-TAATACATAATACATCTTATCTTTATTATACTTCACATAATGGATTTTTTTTTTTAAAGA[T>G]AGATCTGAAGAATGCTGATCCTGAAAGGGTTGAAAACCAAATTGAGAAAGTGTTTGATAT-3'
Protein context (NP_068746.2, residues 186-206): QLSVIPVINK[Ile196Arg]DLKNADPERV